The following is an entry in ClinVar:

NM_001042492.3(NF1):c.3137C>G (p.Thr1046Arg)

Gene: NF1 (neurofibromin 1; plus strand). Cytogenetic location: 17q11.2.
Variant type: single nucleotide variant.
Coding change: c.3137C>G on transcript NM_001042492.3 (MANE Select); coding-DNA position 3137, C replaced by G.
Protein change: p.Thr1046Arg; replaces threonine 1046 with arginine.
Molecular consequence: missense variant.
Genome position (GRCh38, 1-based): chr17:31,230,865, C>G. VCF-style: chr17-31230865-C-G. GRCh37 (hg19) VCF-style: chr17-29557883-C-G.
Other names: c.3137C>G, p.Thr1046Arg (NM_000267.4); short protein forms T1046R.
Identifiers: ClinVar variation 1440758 (VCV001440758.9), dbSNP rs2151432404, ClinGen allele CA398987954.

ClinVar aggregate classification (germline): Conflicting classifications of pathogenicity. Review status: criteria provided, conflicting classifications (1 of 4 stars). 3 submissions from 3 submitters: Pathogenic (1); Uncertain significance (2). Last evaluated 2025-01-19.

Conditions:
Neurofibromatosis, type 1 (NF1). Also called: Peripheral type neurofibromatosis; VON RECKLINGHAUSEN DISEASE; NEUROFIBROMATOSIS, TYPE I, SOMATIC; Neurofibromatosis, type I. Identifiers: Orphanet 636, MedGen C0027831, MONDO:0018975, OMIM 162200. Disease mechanism: loss of function.

Submissions (3):

Labcorp Genetics (formerly Invitae), Labcorp
Classification: Pathogenic for Neurofibromatosis, type 1. Last evaluated: 2025-01-19. Review status: criteria provided, single submitter. Criteria: Invitae Variant Classification Sherloc (09022015). Collection method: clinical testing. Allele origin: germline.
Comment: This sequence change replaces threonine, which is neutral and polar, with arginine, which is basic and polar, at codon 1046 of the NF1 protein (p.Thr1046Arg). This variant is not present in population databases (gnomAD no frequency). This missense change has been observed in individual(s) with clinical features consistent with neurofibromatosis type 1 (internal data). In at least one individual the variant was observed to be de novo. ClinVar contains an entry for this variant (Variation ID: 1440758). Invitae Evidence Modeling of protein sequence and biophysical properties (such as structural, functional, and spatial information, amino acid conservation, physicochemical variation, residue mobility, and thermodynamic stability) indicates that this missense variant is expected to disrupt NF1 protein function with a positive predictive value of 95%. For these reasons, this variant has been classified as Pathogenic.

GeneDx
Classification: Uncertain significance. Last evaluated: 2022-09-15. Review status: criteria provided, single submitter. Criteria: GeneDx Variant Classification Process June 2021. Collection method: clinical testing. Allele origin: germline. Affected: yes.
Comment: Not observed at significant frequency in large population cohorts (gnomAD); In silico analysis supports that this missense variant has a deleterious effect on protein structure/function; Has not been previously published as pathogenic or benign to our knowledge; This variant is associated with the following publications: (PMID: 25486365, 2121369)

Revvity Omics, Revvity
Classification: Uncertain significance. Last evaluated: 2022-03-11. Review status: criteria provided, single submitter. Criteria: ACMG Guidelines, 2015. Collection method: clinical testing. Allele origin: germline.